The following is an entry in ClinVar:

ClinVar aggregate classification (germline): Pathogenic (1 of 4 stars; one submission).

Conditions:
Deficiency of butyryl-CoA dehydrogenase (ACADSD). Also called: SCAD Deficiency; SCAD DEFICIENCY, MILD; ACADS DEFICIENCY; Short-Chain Acyl-CoA Dehydrogenase Deficiency; ACYL-CoA DEHYDROGENASE, SHORT-CHAIN, DEFICIENCY OF; SCADH DEFICIENCY. Identifiers: Orphanet 26792, MedGen C0342783, MONDO:0008722, OMIM 201470. Disease mechanism: May be benign.

gnomAD v4.1: 3 of 1,614,026 alleles (0.00019%); highest among the groups gnomAD compares: African/African-American, 0.0027%; no homozygotes.

Submission:

Labcorp Genetics (formerly Invitae), Labcorp
Classification: Pathogenic for Deficiency of butyryl-CoA dehydrogenase. Last evaluated: 2025-09-30. Review status: criteria provided, single submitter. Criteria: Invitae Variant Classification Sherloc (09022015). Collection method: clinical testing. Allele origin: germline.
Comment: This sequence change replaces arginine, which is basic and polar, with glutamine, which is neutral and polar, at codon 234 of the ACADS protein (p.Arg234Gln). This variant is present in population databases (rs749242337, gnomAD 0.008%). This missense change has been observed in individual(s) with clinical features of ACADS-related conditions (internal data). In at least one individual the data is consistent with being in trans (on the opposite chromosome) from a pathogenic variant. Invitae Evidence Modeling of protein sequence and biophysical properties (such as structural, functional, and spatial information, amino acid conservation, physicochemical variation, residue mobility, and thermodynamic stability) indicates that this missense variant is expected to disrupt ACADS protein function with a positive predictive value of 80%. This variant disrupts the p.Arg234 amino acid residue in ACADS. Other variant(s) that disrupt this residue have been observed in individuals with ACADS-related conditions (PMID: 27051597), which suggests that this may be a clinically significant amino acid residue. For these reasons, this variant has been classified as Pathogenic.

Literature cited by the submitters: PubMed 27051597.

NM_000017.4(ACADS):c.701G>A (p.Arg234Gln)

Gene: ACADS (acyl-CoA dehydrogenase short chain; plus strand). Cytogenetic location: 12q24.31.
Variant type: single nucleotide variant.
Coding change: c.701G>A on transcript NM_000017.4 (MANE Select); coding-DNA position 701, G replaced by A.
Protein change: p.Arg234Gln; replaces arginine 234 with glutamine.
Molecular consequence: missense variant.
Genome position (GRCh38, 1-based): chr12:120,738,356, G>A. VCF-style: chr12-120738356-G-A. GRCh37 (hg19) VCF-style: chr12-121176159-G-A.
Other names: c.689G>A, p.Arg230Gln (NM_001302554.2); short protein forms R230Q, R234Q.
Identifiers: ClinVar variation 4753128 (VCV004753128.1).